The following is an entry in ClinVar:

NM_001145252.3(CFP):c.1301G>C (p.Arg434Thr)

Gene: CFP (complement factor properdin; minus strand). Cytogenetic location: Xp11.23.
Variant type: single nucleotide variant.
Coding change: c.1301G>C on transcript NM_001145252.3 (MANE Select); coding-DNA position 1301, G replaced by C.
Protein change: p.Arg434Thr; replaces arginine 434 with threonine.
Molecular consequence: missense variant.
Genome position (GRCh38, 1-based): chrX:47,624,384, C>G on the plus strand (G>C on the coding strand, the complement: CFP is on the minus strand). VCF-style: chrX-47624384-C-G. GRCh37 (hg19) VCF-style: chrX-47483783-C-G.
Other names: c.1301G>C, p.Arg434Thr (NM_002621.2); short protein forms R434T.
Identifiers: ClinVar variation 2051469 (VCV002051469.4), dbSNP rs2519715083, ClinGen allele CA412834536.

ClinVar aggregate classification (germline): Uncertain significance (1 of 4 stars; one submission).

Submission:

Labcorp Genetics (formerly Invitae), Labcorp
Classification: Uncertain significance. Last evaluated: 2021-12-21. Review status: criteria provided, single submitter. Criteria: Invitae Variant Classification Sherloc (09022015). Collection method: clinical testing. Allele origin: germline.
Comment: In summary, the available evidence is currently insufficient to determine the role of this variant in disease. Therefore, it has been classified as a Variant of Uncertain Significance. Algorithms developed to predict the effect of missense changes on protein structure and function output the following: SIFT: "Tolerated"; PolyPhen-2: "Benign"; Align-GVGD: "Class C0". The threonine amino acid residue is found in multiple mammalian species, which suggests that this missense change does not adversely affect protein function. This variant has not been reported in the literature in individuals affected with CFP-related conditions. This variant is not present in population databases (gnomAD no frequency). This sequence change replaces arginine, which is basic and polar, with threonine, which is neutral and polar, at codon 434 of the CFP protein (p.Arg434Thr).